The following is an entry in ClinVar:

ClinVar aggregate classification (germline): Uncertain significance. Review status: criteria provided, multiple submitters, no conflicts (2 of 4 stars). 3 submissions from 3 submitters: Uncertain significance (3). Last evaluated 2022-04-12.

Conditions:
Hypotonia, infantile, with psychomotor retardation and characteristic facies 2 (IHPRF2). Also called: UNC80 Deficiency. Identifiers: Orphanet 371364, Orphanet 700333, MedGen C4225203, MONDO:0014777, OMIM 616801.

Allele frequency attached by ClinVar (database versions not stated): TOPMed 0.00002; gnomAD exomes 0.00004; ExAC 0.00009; 1000 Genomes Project 30x 0.00047; 1000 Genomes Project 0.00060.
gnomAD v4.1: 209 of 1,551,912 alleles (0.013%); highest among the groups gnomAD compares: East Asian, 0.5%; 2 homozygotes.

Submissions (3):

Labcorp Genetics (formerly Invitae), Labcorp
Classification: Uncertain significance. Last evaluated: 2022-04-12. Review status: criteria provided, single submitter. Criteria: Invitae Variant Classification Sherloc (09022015). Collection method: clinical testing. Allele origin: germline.
Comment: This sequence change replaces histidine, which is basic and polar, with arginine, which is basic and polar, at codon 637 of the UNC80 protein (p.His637Arg). This variant is present in population databases (rs188667729, gnomAD 0.06%). This variant has not been reported in the literature in individuals affected with UNC80-related conditions. ClinVar contains an entry for this variant (Variation ID: 1028449). Algorithms developed to predict the effect of missense changes on protein structure and function are either unavailable or do not agree on the potential impact of this missense change (SIFT: "Not Available"; PolyPhen-2: "Possibly Damaging"; Align-GVGD: "Not Available"). In summary, the available evidence is currently insufficient to determine the role of this variant in disease. Therefore, it has been classified as a Variant of Uncertain Significance.

New York Genome Center
Classification: Uncertain significance for Hypotonia, infantile, with psychomotor retardation and characteristic facies 2. Last evaluated: 2021-07-30. Review status: criteria provided, single submitter. Criteria: NYGC Assertion Criteria 2020. Collection method: clinical testing. Allele origin: inherited. Observed: 1 compound heterozygote. Study: CSER-NYCKidSeq.

Baylor Genetics
Classification: Uncertain significance for Hypotonia, infantile, with psychomotor retardation and characteristic facies 2. Last evaluated: 2019-05-20. Review status: criteria provided, single submitter. Criteria: ACMG Guidelines, 2015. Collection method: clinical testing. Allele origin: maternal. Affected: yes.
Comment: This variant was determined to be of uncertain significance according to ACMG Guidelines, 2015 [PMID:25741868].

NM_001371986.1(UNC80):c.1910A>G (p.His637Arg)

Gene: UNC80 (unc-80 subunit of NALCN channel complex; plus strand). Cytogenetic location: 2q34.
Variant type: single nucleotide variant.
Coding change: c.1910A>G on transcript NM_001371986.1 (MANE Select); coding-DNA position 1910, A replaced by G.
Protein change: p.His637Arg; replaces histidine 637 with arginine.
Molecular consequence: missense variant.
Genome position (GRCh38, 1-based): chr2:209,819,209, A>G. VCF-style: chr2-209819209-A-G. GRCh37 (hg19) VCF-style: chr2-210683933-A-G.
Other names: c.1910A>G, p.His637Arg (NM_032504.2, NM_182587.4); short protein forms H637R.
Identifiers: ClinVar variation 1028449 (VCV001028449.5), dbSNP rs188667729, ClinGen allele CA2082983.